The following is an entry in ClinVar:

NM_014444.5(TUBGCP4):c.731T>C (p.Ile244Thr)

Gene: TUBGCP4 (tubulin gamma complex component 4; plus strand). Cytogenetic location: 15q15.3.
Variant type: single nucleotide variant.
Coding change: c.731T>C on transcript NM_014444.5 (MANE Select); coding-DNA position 731, T replaced by C.
Protein change: p.Ile244Thr; replaces isoleucine 244 with threonine.
Molecular consequence: missense variant.
Genome position (GRCh38, 1-based): chr15:43,385,798, T>C. VCF-style: chr15-43385798-T-C. GRCh37 (hg19) VCF-style: chr15-43677996-T-C.
Other names: c.731T>C, p.Ile244Thr (NM_001286414.3); short protein forms I244T.
Identifiers: ClinVar variation 716409 (VCV000716409.41), dbSNP rs139658236, ClinGen allele CA7523877.
Genomic context (GRCh38, chr15:43,385,798, plus strand): 5'-TTTCCTTTTCTTGCTTCACACTGCATCTCGATGTGTACTCTTTCCTTGACTAGCGCCTGA[T>C]TGAGGAAGAGAACATGCTGGCACCATCTCTGAAGCAGTTTTCCCTACGAGTGGAGATTTT-3'
Protein context (NP_055259.2, residues 234-254): QLRELQDLRL[Ile244Thr]EEENMLAPSL

ClinVar aggregate classification (germline): Benign/Likely benign. Review status: criteria provided, multiple submitters, no conflicts (2 of 4 stars). 6 submissions from 6 submitters: Benign (1); Likely benign (5). Last evaluated 2026-02-01.

Allele frequency attached by ClinVar (database versions not stated): gnomAD exomes 0.00028 and 0.00069; ExAC 0.00081; 1000 Genomes Project 30x 0.00250; 1000 Genomes Project 0.00260; gnomAD 0.00310 and 0.00337; ESP Exome Variant Server 0.00328; TOPMed 0.00354.
gnomAD v4.1: 882 of 1,614,138 alleles (0.055%); highest among the groups gnomAD compares: African/African-American, 1.1%; 7 homozygotes.

Submissions (6):

Labcorp Genetics (formerly Invitae), Labcorp
Classification: Benign. Last evaluated: 2026-02-01. Review status: criteria provided, single submitter. Criteria: Invitae Variant Classification Sherloc (09022015). Collection method: clinical testing. Allele origin: germline.

CeGaT Center for Human Genetics Tuebingen
Classification: Likely benign. Last evaluated: 2025-03-01. Review status: criteria provided, single submitter. Criteria: CeGaT Center For Human Genetics Tuebingen Variant Classification Criteria Version 2. Collection method: clinical testing. Allele origin: germline. Affected: yes. Observed: 3 variant alleles.
Comment: TUBGCP4: BS1

Blueprint Genetics
Classification: Likely benign. Last evaluated: 2024-08-28. Review status: criteria provided, single submitter. Criteria: ACMG Guidelines, 2015. Collection method: clinical testing. Allele origin: germline.

GeneDx
Classification: Likely benign. Last evaluated: 2022-07-07. Review status: criteria provided, single submitter. Criteria: GeneDx Variant Classification Process June 2021. Collection method: clinical testing. Allele origin: germline. Affected: yes.
Comment: See Variant Classification Assertion Criteria.

Genetic Services Laboratory, University of Chicago
Classification: Likely benign. Last evaluated: 2019-01-23. Review status: criteria provided, single submitter. Criteria: ACMG Guidelines, 2015. Collection method: clinical testing. Allele origin: germline. Affected: no.

Breakthrough Genomics
Classification: Likely benign. Review status: criteria provided, single submitter. Criteria: ACMG Guidelines, 2015. Collection method: not provided. Allele origin: germline. Inheritance: Autosomal recessive inheritance. Affected: yes.